The following is an entry in ClinVar:

NM_001083926.2(ASRGL1):c.200C>T (p.Ser67Phe)

Gene: ASRGL1 (asparaginase and isoaspartyl peptidase 1; plus strand). Cytogenetic location: 11q12.3.
Variant type: single nucleotide variant.
Coding change: c.200C>T on transcript NM_001083926.2 (MANE Select); coding-DNA position 200, C replaced by T.
Protein change: p.Ser67Phe; replaces serine 67 with phenylalanine.
Molecular consequence: missense variant.
Genome position (GRCh38, 1-based): chr11:62,356,334, C>T. VCF-style: chr11-62356334-C-T. GRCh37 (hg19) VCF-style: chr11-62123806-C-T.
Other names: c.200C>T, p.Ser67Phe (NM_025080.4); short protein forms S67F.
Identifiers: ClinVar variation 1958349 (VCV001958349.5), dbSNP rs1946294756, ClinGen allele CA380865060.

ClinVar aggregate classification (germline): Uncertain significance (1 of 4 stars; one submission).

Submission:

Labcorp Genetics (formerly Invitae), Labcorp
Classification: Uncertain significance. Last evaluated: 2023-12-18. Review status: criteria provided, single submitter. Criteria: Invitae Variant Classification Sherloc (09022015). Collection method: clinical testing. Allele origin: germline.
Comment: This sequence change replaces serine, which is neutral and polar, with phenylalanine, which is neutral and non-polar, at codon 67 of the ASRGL1 protein (p.Ser67Phe). This variant is not present in population databases (gnomAD no frequency). This variant has not been reported in the literature in individuals affected with ASRGL1-related conditions. ClinVar contains an entry for this variant (Variation ID: 1958349). An algorithm developed to predict the effect of missense changes on protein structure and function (PolyPhen-2) suggests that this variant is likely to be disruptive. In summary, the available evidence is currently insufficient to determine the role of this variant in disease. Therefore, it has been classified as a Variant of Uncertain Significance.